The following is an entry in ClinVar:

NM_001374828.1(ARID1B):c.5140del (p.Gln1714fs)

Gene: ARID1B (AT-rich interaction domain 1B; plus strand). Cytogenetic location: 6q25.3.
Variant type: Deletion.
Coding change: c.5140del on transcript NM_001374828.1 (MANE Select); coding-DNA position 5140, one base deleted (C; older notation c.5140delC).
Protein change: p.Gln1714fs; shifts the reading frame from glutamine 1714.
Molecular consequence: frameshift variant.
Genome position (GRCh38, 1-based): chr6:157,201,365, C deleted; the last of 3 consecutive C bases (chr6:157,201,363-157,201,365); deleting any one gives the same sequence. VCF-style (leftmost placement, unchanged base first): chr6-157201362-TC-T. GRCh37 (hg19) VCF-style: chr6-157522496-TC-T.
Other names: c.2641del, p.Gln881fs (NM_001363725.2); c.5020del, p.Gln1674fs (NM_001371656.1, NM_001374820.1); c.4981del, p.Gln1661fs (NM_017519.3); short protein forms Q1661fs, Q1674fs, Q1714fs, Q881fs.
Identifiers: ClinVar variation 3901080 (VCV003901080.1).

ClinVar aggregate classification (germline): Likely pathogenic (1 of 4 stars; one submission).

Conditions:
Coffin-Siris syndrome 1 (CSS1). Also called: Mental retardation, autosomal dominant 12; ARID1B-Related Coffin-Siris Syndrome. Identifiers: Orphanet 1465, MedGen C3281201, MONDO:0007617, OMIM 135900. Disease mechanism: gain of function.

Submission:

Laboratorio de Genetica e Diagnostico Molecular, Hospital Israelita Albert Einstein
Classification: Likely pathogenic for Coffin-Siris syndrome 1. Last evaluated: 2025-01-16. Review status: criteria provided, single submitter. Criteria: ACMG Guidelines, 2015. Collection method: clinical testing. Allele origin: germline. Affected: yes.
Comment: ACMG classification criteria: PVS1 very strong, PM2 supporting